The following is an entry in ClinVar:

ClinVar aggregate classification (germline): Pathogenic (1 of 4 stars; one submission).

Submission:

Quest Diagnostics Nichols Institute San Juan Capistrano
Classification: Pathogenic. Last evaluated: 2024-06-05. Review status: criteria provided, single submitter. Criteria: ACMG/ClinGen CNV Guidelines, 2019. Collection method: clinical testing. Allele origin: unknown.
Comment: This copy number loss is associated with the recurrent 15q11.2 (BP1-BP2) deletion syndrome (OMIM 615656). The 15q11.2 (including NIPA1 and NIPA2 locus) region has previously been reported in association with highly variable clinical phenotypes (Butler 2017, ENIGMA-CNV Working Group 2020, Jonch 2019, Kendall 2019, Stefansson 2014, Coe 2014) including a subclinical, but measurable effect on neurocognitive function. Currently, this copy number loss is best described as a susceptibility locus and is classified as pathogenic. References: Butler, J Intellect Disabil Res. 2017 Jun;61(6):568-579. PMID: 28387067; Coe et al., Nat Genet. 2014 Oct;46(10):1063-71., PMID: 25217958; ENIGMA-CNV Working Group, JAMA Psychiatry. 2020 Apr 1;77(4):420-430. PMID: 31665216; Jonch et al., J Med Genet. 2019 Oct;56(10):701-710. PMID: 31451536; Kendall et al., Br J Psychiatry. 2019 May;214(5):297-304. PMID: 30767844; Stefansson et al., Nature. 2014 Jan 16;505(7483):361-6. PMID: 24352232

GRCh37/hg19 15q11.2(chr15:22770421-23625677)x1

Genes: CYFIP1 (cytoplasmic FMR1 interacting protein 1; minus strand), NIPA1 (NIPA magnesium transporter 1; plus strand), NIPA2 (NIPA magnesium transporter 2; plus strand), TUBGCP5 (tubulin gamma complex component 5; minus strand). Cytogenetic location: 15q11.2.
Variant type: copy number loss.
Change: copy number 1 (one copy instead of two) of chr15:22,770,421-23,625,677 (855.3 kb, GRCh37 coordinates, 1-based), cytogenetic band 15q11.2.
Identifiers: ClinVar variation 1339977 (VCV001339977.2).